The following is an entry in ClinVar:

ClinVar aggregate classification (germline): Uncertain significance (1 of 4 stars; one submission).

Conditions:
Cardiovascular phenotype. Identifiers: MedGen CN230736.

Submission:

Ambry Genetics
Classification: Uncertain significance for Cardiovascular phenotype. Last evaluated: 2025-03-02. Review status: criteria provided, single submitter. Criteria: Ambry Variant Classification Scheme 2023. Collection method: clinical testing. Allele origin: germline.
Comment: The p.V415F variant (also known as c.1243G>T), located in coding exon 11 of the PTPN11 gene, results from a G to T substitution at nucleotide position 1243. The valine at codon 415 is replaced by phenylalanine, an amino acid with highly similar properties. This amino acid position is conserved. In addition, this alteration is predicted to be deleterious by in silico analysis. Based on the available evidence, the clinical significance of this variant remains unclear.

NM_002834.5(PTPN11):c.1243G>T (p.Val415Phe)

Gene: PTPN11 (protein tyrosine phosphatase non-receptor type 11; plus strand). Cytogenetic location: 12q24.13.
Variant type: single nucleotide variant.
Coding change: c.1243G>T on transcript NM_002834.5 (MANE Select); coding-DNA position 1243, G replaced by T.
Protein change: p.Val415Phe; replaces valine 415 with phenylalanine.
Molecular consequence: missense variant.
Genome position (GRCh38, 1-based): chr12:112,486,493, G>T. VCF-style: chr12-112486493-G-T. GRCh37 (hg19) VCF-style: chr12-112924297-G-T.
Other names: c.1255G>T, p.Val419Phe (NM_001330437.2); c.1240G>T, p.Val414Phe (NM_001374625.1); c.1243G>T, p.Val415Phe (NM_080601.3); short protein forms V414F, V415F, V419F.
Identifiers: ClinVar variation 3784976 (VCV003784976.1).
Genomic context (GRCh38, chr12:112,486,493, plus strand): 5'-ATTTATTTAATTCTTTTCTGGTTTTTCTTGGCTCTACTCCAGGGGAATACGGAGAGAACG[G>T]TCTGGCAATACCACTTTCGGACCTGGCCGGACCACGGCGTGCCCAGCGACCCTGGGGGCG-3'
Protein context (NP_002825.3, residues 405-425): KVGQGNTERT[Val415Phe]WQYHFRTWPD